The following is an entry in ClinVar:

NM_000212.3(ITGB3):c.79G>A (p.Gly27Arg)

Gene: ITGB3 (integrin subunit beta 3; plus strand). Cytogenetic location: 17q21.32.
Variant type: single nucleotide variant.
Coding change: c.79G>A on transcript NM_000212.3 (MANE Select); coding-DNA position 79, G replaced by A.
Protein change: p.Gly27Arg; replaces glycine 27 with arginine.
Molecular consequence: missense variant.
Genome position (GRCh38, 1-based): chr17:47,253,940, G>A. VCF-style: chr17-47253940-G-A. GRCh37 (hg19) VCF-style: chr17-45331306-G-A.
Other names: short protein forms G27R.
Identifiers: ClinVar variation 1703875 (VCV001703875.4), dbSNP rs1037047731, ClinGen allele CA291240434.

ClinVar aggregate classification (germline): Conflicting classifications of pathogenicity. Review status: criteria provided, conflicting classifications (1 of 4 stars). 2 submissions from 2 submitters: Likely pathogenic (1); Uncertain significance (1). Last evaluated 2025-01-13.

Conditions:
Glanzmann thrombasthenia 2. Also called: BLEEDING DISORDER, PLATELET-TYPE, 23. Identifiers: MedGen C5543273, MONDO:0031009, OMIM 619267.

Allele frequency attached by ClinVar (database versions not stated): gnomAD 0.00001.
gnomAD v4.1: 7 of 1,418,650 alleles (0.00049%); highest among the groups gnomAD compares: Admixed American, 0.0025%; no homozygotes.

Submissions (2):

Labcorp Genetics (formerly Invitae), Labcorp
Classification: Uncertain significance. Last evaluated: 2025-01-13. Review status: criteria provided, single submitter. Criteria: Invitae Variant Classification Sherloc (09022015). Collection method: clinical testing. Allele origin: germline.
Comment: This sequence change replaces glycine, which is neutral and non-polar, with arginine, which is basic and polar, at codon 27 of the ITGB3 protein (p.Gly27Arg). This variant also falls at the last nucleotide of exon 1, which is part of the consensus splice site for this exon. This variant is not present in population databases (gnomAD no frequency). This variant has not been reported in the literature in individuals affected with ITGB3-related conditions. ClinVar contains an entry for this variant (Variation ID: 1703875). Invitae Evidence Modeling of protein sequence and biophysical properties (such as structural, functional, and spatial information, amino acid conservation, physicochemical variation, residue mobility, and thermodynamic stability) has been performed for this missense variant. However, the output from this modeling did not meet the statistical confidence thresholds required to predict the impact of this variant on ITGB3 protein function. Variants that disrupt the consensus splice site are a relatively common cause of aberrant splicing (PMID: 17576681, 9536098). Algorithms developed to predict the effect of sequence changes on RNA splicing suggest that this variant may disrupt the consensus splice site. In summary, the available evidence is currently insufficient to determine the role of this variant in disease. Therefore, it has been classified as a Variant of Uncertain Significance.

ISTH-SSC Genomics in Thrombosis and Hemostasis, KU Leuven, Center for Molecular and Vascular Biology
Classification: Likely pathogenic for Glanzmann thrombasthenia 2. Review status: criteria provided, single submitter. Criteria: ACMG Guidelines, 2015. Collection method: clinical testing. Allele origin: germline. Affected: yes. Observed: 1 homozygote.
Comment: Submitted to GoldVariant by Jose María Bastida and José Rivera; Grupo Español de Alteraciones Plaquetarias Congénitas (GEAPC)

Literature cited by the submitters: PubMed 17576681 (cited by Labcorp Genetics (formerly Invitae), Labcorp); PubMed 9536098 (cited by Labcorp Genetics (formerly Invitae), Labcorp).